The following is an entry in ClinVar:

ClinVar aggregate classification (germline): Likely benign. Review status: criteria provided, single submitter (1 of 4 stars). 2 submissions from 2 submitters: Likely benign (1). 1 of the submissions does not count toward it. Last evaluated 2025-12-20.

Conditions:
POLG-related disorder. Also called: POLG-related condition; POLG-Related Disorders; POLG-Related Spectrum Disorders. Identifiers: MedGen C4763519.
Progressive sclerosing poliodystrophy (MTDPS4A). Also called: Mitochondrial DNA depletion syndrome 4A (Alpers type); Alpers-Huttenlocher Syndrome (AHS); Alpers Syndrome; ALPERS DIFFUSE DEGENERATION OF CEREBRAL GRAY MATTER WITH HEPATIC CIRRHOSIS; Alpers-Huttenlocher Syndrome; ALPERS PROGRESSIVE INFANTILE POLIODYSTROPHY. Identifiers: Orphanet 726, MedGen C0205710, MONDO:0008758, OMIM 203700.

Allele frequency attached by ClinVar (database versions not stated): gnomAD 0.00001; gnomAD exomes 0.00001.
gnomAD v4.1: 22 of 1,607,656 alleles (0.0014%); highest among the groups gnomAD compares: Admixed American, 0.015%; no homozygotes.

Submissions (2):

Labcorp Genetics (formerly Invitae), Labcorp
Classification: Likely benign for Progressive sclerosing poliodystrophy. Last evaluated: 2025-12-20. Review status: criteria provided, single submitter. Criteria: Invitae Variant Classification Sherloc (09022015). Collection method: clinical testing. Allele origin: germline.

PreventionGenetics, part of Exact Sciences
Classification: Likely benign for POLG-related condition. Last evaluated: 2021-03-22. Review status: no assertion criteria provided. Collection method: clinical testing. Allele origin: germline. Not counted in ClinVar's aggregate classification.
Comment: This variant is classified as likely benign based on ACMG/AMP sequence variant interpretation guidelines (Richards et al. 2015 PMID: 25741868, with internal and published modifications).

NM_002693.3(POLG):c.2157+14C>T

Gene: POLG (DNA polymerase gamma, catalytic subunit; minus strand). Cytogenetic location: 15q26.1.
Variant type: single nucleotide variant.
Coding change: c.2157+14C>T on transcript NM_002693.3 (MANE Select); 14 bases into the intron after coding-DNA position 2157, C replaced by T.
Molecular consequence: intron variant.
Genome position (GRCh38, 1-based): chr15:89,323,801, G>A on the plus strand (C>T on the coding strand, the complement: POLG is on the minus strand). VCF-style: chr15-89323801-G-A. GRCh37 (hg19) VCF-style: chr15-89867032-G-A.
Other names: c.2157+14C>T (NM_001126131.2, NM_002693.2).
Identifiers: ClinVar variation 1562440 (VCV001562440.10), dbSNP rs989119619, ClinGen allele CA274550062.